The following is an entry in ClinVar:

ClinVar aggregate classification (germline): Benign/Likely benign. Review status: criteria provided, multiple submitters, no conflicts (2 of 4 stars). 4 submissions from 4 submitters: Benign (1); Likely benign (2). 1 of the submissions does not count toward it. Last evaluated 2024-11-19.

Conditions:
PLIN1-related disorder. Also called: PLIN1-related condition.

Allele frequency attached by ClinVar (database versions not stated): 1000 Genomes Project 0.00060; 1000 Genomes Project 30x 0.00062; TOPMed 0.00173; ExAC 0.00245; gnomAD 0.00275; gnomAD exomes 0.01170.
gnomAD v4.1: 4,147 of 1,273,274 alleles (0.33%); highest among the groups gnomAD compares: Non-Finnish European, 0.33%; 8 homozygotes.

Submissions (4):

Blueprint Genetics
Classification: Likely benign. Last evaluated: 2024-11-19. Review status: criteria provided, single submitter. Criteria: ACMG Guidelines, 2015. Collection method: clinical testing. Allele origin: germline.

CeGaT Center for Human Genetics Tuebingen
Classification: Likely benign. Last evaluated: 2024-11-01. Review status: criteria provided, single submitter. Criteria: CeGaT Center For Human Genetics Tuebingen Variant Classification Criteria Version 2. Collection method: clinical testing. Allele origin: germline. Affected: yes. Observed: 1 variant allele.
Comment: PLIN1: BP4, BP7

Labcorp Genetics (formerly Invitae), Labcorp
Classification: Benign. Last evaluated: 2018-12-28. Review status: criteria provided, single submitter. Criteria: Invitae Variant Classification Sherloc (09022015). Collection method: clinical testing. Allele origin: germline.

PreventionGenetics, part of Exact Sciences
Classification: Likely benign for PLIN1-related condition. Last evaluated: 2024-06-23. Review status: no assertion criteria provided. Collection method: clinical testing. Allele origin: germline. Not counted in ClinVar's aggregate classification.
Comment: This variant is classified as likely benign based on ACMG/AMP sequence variant interpretation guidelines (Richards et al. 2015 PMID: 25741868, with internal and published modifications).

NM_002666.5(PLIN1):c.1392G>T (p.Ala464=)

Genes: PLIN1 (perilipin 1; minus strand), LOC130057886 (ATAC-STARR-seq lymphoblastoid silent region 6802; plus strand). Cytogenetic location: 15q26.1.
Variant type: single nucleotide variant.
Coding change: c.1392G>T on transcript NM_002666.5 (MANE Select); coding-DNA position 1392, G replaced by T.
Protein change: p.Ala464=; no amino-acid change (alanine 464 retained).
Molecular consequence: synonymous variant.
Genome position (GRCh38, 1-based): chr15:89,665,760, C>A on the plus strand (G>T on the coding strand, the complement: PLIN1 is on the minus strand). VCF-style: chr15-89665760-C-A. GRCh37 (hg19) VCF-style: chr15-90208991-C-A.
Other names: c.1392G>T, p.Ala464= (NM_001145311.2).
Identifiers: ClinVar variation 710652 (VCV000710652.19), dbSNP rs536062857, ClinGen allele CA7728727.